The following is an entry in ClinVar:

ClinVar aggregate classification (germline): Pathogenic (1 of 4 stars; one submission).

Submission:

Labcorp Genetics (formerly Invitae), Labcorp
Classification: Pathogenic. Last evaluated: 2023-12-14. Review status: criteria provided, single submitter. Criteria: Invitae Variant Classification Sherloc (09022015). Collection method: clinical testing. Allele origin: germline.
Comment: This sequence change creates a premature translational stop signal (p.Trp1791*) in the COL27A1 gene. It is expected to result in an absent or disrupted protein product. Loss-of-function variants in COL27A1 are known to be pathogenic (PMID: 24986830, 28276056). This variant is not present in population databases (gnomAD no frequency). This variant has not been reported in the literature in individuals affected with COL27A1-related conditions. ClinVar contains an entry for this variant (Variation ID: 1454592). For these reasons, this variant has been classified as Pathogenic.

Literature cited by the submitters: PubMed 24986830; PubMed 28276056.

NM_032888.4(COL27A1):c.5373G>A (p.Trp1791Ter)

Gene: COL27A1 (collagen type XXVII alpha 1 chain; plus strand). Cytogenetic location: 9q32.
Variant type: single nucleotide variant.
Coding change: c.5373G>A on transcript NM_032888.4 (MANE Select); coding-DNA position 5373, G replaced by A.
Protein change: p.Trp1791Ter; replaces tryptophan 1791 with a stop codon.
Molecular consequence: nonsense.
Genome position (GRCh38, 1-based): chr9:114,309,415, G>A. VCF-style: chr9-114309415-G-A. GRCh37 (hg19) VCF-style: chr9-117071695-G-A.
Other names: short protein forms W1791*.
Identifiers: ClinVar variation 1454592 (VCV001454592.6), dbSNP rs2131700308, ClinGen allele CA374597172.
Genomic context (GRCh38, chr9:114,309,415, plus strand): 5'-CGTGTGGCAGGAGGGCACTGGGCAGACCCCAGCCAAGCAGGCCGTACGCTTCCGGGCCTG[G>A]AATGGACAGATTTTTGAAGCTGGGGGTCAGTTCCGGCCCGAGGTGTCCATGGATGGCTGC-3'